The following is an entry in ClinVar:

NM_013275.6(ANKRD11):c.3024_3025dup (p.Lys1009fs)

Gene: ANKRD11 (ankyrin repeat domain 11; minus strand). Cytogenetic location: 16q24.3.
Variant type: Microsatellite.
Coding change: c.3024_3025dup on transcript NM_013275.6 (MANE Select); coding-DNA positions 3024 to 3025, 2 bases duplicated (GA; older notation c.3024_3025dupGA).
Protein change: p.Lys1009fs; shifts the reading frame from lysine 1009.
Molecular consequence: frameshift variant.
Genome position (GRCh38, 1-based): chr16:89,283,517-89,283,518, TC duplicated on the plus strand (GA on the coding strand, the reverse complement: ANKRD11 is on the minus strand); duplicating any 2 consecutive bases within chr16:89,283,517-89,283,522 gives the same sequence; the c. name uses the placement nearest the transcript's 3' end. VCF-style (leftmost placement, unchanged base first): chr16-89283516-T-TTC. GRCh37 (hg19) VCF-style: chr16-89349924-T-TTC.
Other names: c.3024_3025dup, p.Lys1009fs (NM_001256182.2, NM_001256183.2); short protein forms K1009fs.
Identifiers: ClinVar variation 2503462 (VCV002503462.1), dbSNP rs2544239004, ClinGen allele CA2586963947.

ClinVar aggregate classification (germline): Pathogenic (1 of 4 stars; one submission).

Conditions:
KBG syndrome (KBGS). Also called: ANKRD11-Related KBG Syndrome. Identifiers: Orphanet 2332, MedGen C0220687, MONDO:0007846, OMIM 148050.

Submission:

Medical Genetics Unit, Azienda USL-IRCCS di Reggio Emilia
Classification: Pathogenic for KBG syndrome. Last evaluated: 2022-07-27. Review status: criteria provided, single submitter. Criteria: ACMG Guidelines, 2015. Collection method: clinical testing. Allele origin: de novo. Affected: yes. Observed: 1 variant allele.
Comment: ACMG/AMP: PVS1,PS2,PM2